The following is an entry in ClinVar:

ClinVar aggregate classification (germline): Pathogenic (1 of 4 stars; one submission).

Conditions:
Deafness-lymphedema-leukemia syndrome. Also called: Emberger syndrome; Lymphedema, primary, with myelodysplasia. Identifiers: Orphanet 3226, MedGen C3279664, MONDO:0013540, OMIM 614038.
GATA2 deficiency with susceptibility to MDS/AML. Identifiers: MedGen CN300066, MONDO:0042982.

Submission:

Molecular Pathology Research Laboratory, SA Pathology
Classification: Pathogenic for GATA2 deficiency with susceptibility to MDS/AML; Deafness-lymphedema-leukemia syndrome. Last evaluated: 2021-07-06. Review status: criteria provided, single submitter. Criteria: ACMG Guidelines, 2015. Collection method: curation. Allele origin: unknown. Inheritance: Autosomal dominant inheritance. Affected: yes. Observed: 1 variant allele.
Comment: PVS1, PS4_Supporting, PM2

Literature cited by the submitters: PubMed 26702063.

NM_032638.5(GATA2):c.1018-11_1027del

Gene: GATA2 (GATA binding protein 2; minus strand). Cytogenetic location: 3q21.3.
Variant type: Deletion.
Coding change: c.1018-11_1027del on transcript NM_032638.5 (MANE Select); 11 bases into the intron before coding-DNA position 1018 through coding-DNA position 1027, 21 bases deleted (TGCCCTCCCAGTCGGCCGCCA).
Molecular consequence: splice acceptor variant. On other transcripts: intron variant (1).
Genome position (GRCh38, 1-based): chr3:128,481,935-128,481,955, TGGCGGCCGACTGGGAGGGCA deleted on the plus strand (TGCCCTCCCAGTCGGCCGCCA on the coding strand, the reverse complement: GATA2 is on the minus strand). VCF-style (leftmost placement, unchanged base first): chr3-128481934-CTGGCGGCCGACTGGGAGGGCA-C. GRCh37 (hg19) VCF-style: chr3-128200777-CTGGCGGCCGACTGGGAGGGCA-C.
Other names: c.1018-53_1018-33del (NM_001145662.1); c.1018-11_1027del (NM_001145661.2).
Identifiers: ClinVar variation 1184178 (VCV001184178.1), dbSNP rs2107668823, ClinGen allele CA2499216444.
Genomic context (GRCh38, chr3:128,481,934, plus strand): 5'-TTTCGGCGCCATAAGGTGGTGGTTGTCGTCTGACAATTTGCACAACAGGTGCCGGCTCTT[CTGGCGGCCGACTGGGAGGGCA>C]AGGCAGCGTCAGCAGGCTGGACTCCCACGCCCACCTCGACCCCCCTCCCTGACCCTCGCT-3'